The following is an entry in ClinVar:

ClinVar aggregate classification (germline): Uncertain significance (1 of 4 stars; one submission).

Conditions:
KIF4A-related disorder. Also called: KIF4A-related condition.

Submission:

PreventionGenetics, part of Exact Sciences
Classification: Uncertain significance for KIF4A-related condition. Last evaluated: 2023-03-28. Review status: criteria provided, single submitter. Criteria: ACMG Guidelines, 2015. Collection method: clinical testing. Allele origin: germline.
Comment: The KIF4A c.1588A>C variant is predicted to result in the amino acid substitution p.Asn530His. To our knowledge, this variant has not been reported in the literature or in a large population database, indicating this variant is rare. At this time, the clinical significance of this variant is uncertain due to the absence of conclusive functional and genetic evidence.

NM_012310.5(KIF4A):c.1588A>C (p.Asn530His)

Gene: KIF4A (kinesin family member 4A; plus strand). Cytogenetic location: Xq13.1.
Variant type: single nucleotide variant.
Coding change: c.1588A>C on transcript NM_012310.5 (MANE Select); coding-DNA position 1588, A replaced by C.
Protein change: p.Asn530His; replaces asparagine 530 with histidine.
Molecular consequence: missense variant.
Genome position (GRCh38, 1-based): chrX:70,353,721, A>C. VCF-style: chrX-70353721-A-C. GRCh37 (hg19) VCF-style: chrX-69573571-A-C.
Other names: short protein forms N530H.
Identifiers: ClinVar variation 2633521 (VCV002633521.1), dbSNP rs2519663600, ClinGen allele CA413475151.